The following is an entry in ClinVar:

ClinVar aggregate classification (germline): Conflicting classifications of pathogenicity. Review status: criteria provided, conflicting classifications (1 of 4 stars). 3 submissions from 3 submitters: Uncertain significance (2); Likely benign (1). Last evaluated 2025-06-16.

Conditions:
Breast-ovarian cancer, familial, susceptibility to, 4. Identifiers: Orphanet 145, MedGen C3280345, MONDO:0013669, OMIM 614291.
Hereditary cancer-predisposing syndrome. Also called: Neoplastic Syndromes, Hereditary; Hereditary Cancer Syndrome; Hereditary neoplastic syndrome; Tumor predisposition. Identifiers: Orphanet 140162, MedGen C0027672, MeSH D009386, MONDO:0015356.

Allele frequency attached by ClinVar (database versions not stated): TOPMed below 0.00001; ExAC 0.00001; ESP Exome Variant Server 0.00008.

Submissions (3):

Labcorp Genetics (formerly Invitae), Labcorp
Classification: Uncertain significance for Breast-ovarian cancer, familial, susceptibility to, 4. Last evaluated: 2025-06-16. Review status: criteria provided, single submitter. Criteria: Invitae Variant Classification Sherloc (09022015). Collection method: clinical testing. Allele origin: germline.
Comment: This sequence change replaces alanine, which is neutral and non-polar, with serine, which is neutral and polar, at codon 296 of the RAD51D protein (p.Ala296Ser). This variant is present in population databases (rs374019782, gnomAD 0.0009%). This variant has not been reported in the literature in individuals affected with RAD51D-related conditions. ClinVar contains an entry for this variant (Variation ID: 539854). Invitae Evidence Modeling of protein sequence and biophysical properties (such as structural, functional, and spatial information, amino acid conservation, physicochemical variation, residue mobility, and thermodynamic stability) indicates that this missense variant is not expected to disrupt RAD51D protein function with a negative predictive value of 80%. In summary, the available evidence is currently insufficient to determine the role of this variant in disease. Therefore, it has been classified as a Variant of Uncertain Significance.

Ambry Genetics
Classification: Likely benign for Hereditary cancer-predisposing syndrome. Last evaluated: 2024-02-26. Review status: criteria provided, single submitter. Criteria: Ambry Variant Classification Scheme 2023. Collection method: clinical testing. Allele origin: germline.

Color Diagnostics, LLC DBA Color Health
Classification: Uncertain significance for Hereditary cancer-predisposing syndrome. Last evaluated: 2023-09-24. Review status: criteria provided, single submitter. Criteria: ACMG Guidelines, 2015. Collection method: clinical testing. Allele origin: germline.
Comment: This missense variant replaces alanine with serine at codon 296 of the RAD51D protein. Computational prediction suggests that this variant may not impact protein structure and function (internally defined REVEL score threshold <= 0.5, PMID: 27666373). To our knowledge, functional studies have not been reported for this variant. This variant has not been reported in individuals affected with RAD51D-related disorders in the literature. This variant has not been identified in the general population by the Genome Aggregation Database (gnomAD). The available evidence is insufficient to determine the role of this variant in disease conclusively. Therefore, this variant is classified as a Variant of Uncertain Significance.

NM_002878.4(RAD51D):c.886G>T (p.Ala296Ser)

Genes: RAD51D (RAD51 paralog D; minus strand), RAD51L3-RFFL (RAD51L3-RFFL readthrough; minus strand). Cytogenetic location: 17q12.
Variant type: single nucleotide variant.
Coding change: c.886G>T on transcript NM_002878.4 (MANE Select); coding-DNA position 886, G replaced by T.
Protein change: p.Ala296Ser; replaces alanine 296 with serine.
Molecular consequence: missense variant. On other transcripts: non-coding transcript variant (3).
Genome position (GRCh38, 1-based): chr17:35,101,218, C>A on the plus strand (G>T on the coding strand, the complement: RAD51D is on the minus strand). VCF-style: chr17-35101218-C-A. GRCh37 (hg19) VCF-style: chr17-33428237-C-A.
Other names: c.946G>T, p.Ala316Ser (NM_001142571.2); c.550G>T, p.Ala184Ser (NM_133629.3); short protein forms A296S, A184S, A316S.
Identifiers: ClinVar variation 539854 (VCV000539854.12), dbSNP rs374019782, ClinGen allele CA8499327.
Genomic context (GRCh38, chr17:35,101,218, plus strand): 5'-TCCAGGGCCCAAGATTACTGGCATCTTCCTGGGGCTGGCTCACCTGTCGGGAAGATTTGG[C>A]CAGACACGCCATGCGCCGGCCGCCTGATGCTCCTGCTCCCTCGATGGTGTCCAGGAGAAT-3'
Protein context (NP_002869.3, residues 286-306): ASGGRRMACL[Ala296Ser]KSSRQPTGFQ